The following is an entry in ClinVar:

ClinVar aggregate classification (germline): Uncertain significance. Review status: criteria provided, multiple submitters, no conflicts (2 of 4 stars). 2 submissions from 2 submitters: Uncertain significance (2). Last evaluated 2024-02-13.

Conditions:
Inborn genetic diseases. Identifiers: MedGen C0950123, MeSH D030342.

Allele frequency attached by ClinVar (database versions not stated): gnomAD exomes below 0.00001; TOPMed below 0.00001; gnomAD 0.00001.
gnomAD v4.1: 3 of 1,613,812 alleles (0.00019%); highest among the groups gnomAD compares: African/African-American, 0.0027%; no homozygotes.

Submissions (2):

Ambry Genetics
Classification: Uncertain significance for Inborn genetic diseases. Last evaluated: 2024-02-13. Review status: criteria provided, single submitter. Criteria: Ambry Variant Classification Scheme 2023. Collection method: clinical testing. Allele origin: germline.

Labcorp Genetics (formerly Invitae), Labcorp
Classification: Uncertain significance. Last evaluated: 2022-03-10. Review status: criteria provided, single submitter. Criteria: Invitae Variant Classification Sherloc (09022015). Collection method: clinical testing. Allele origin: germline.
Comment: In summary, the available evidence is currently insufficient to determine the role of this variant in disease. Therefore, it has been classified as a Variant of Uncertain Significance. Algorithms developed to predict the effect of missense changes on protein structure and function (SIFT, PolyPhen-2, Align-GVGD) all suggest that this variant is likely to be disruptive. ClinVar contains an entry for this variant (Variation ID: 1051561). This variant has not been reported in the literature in individuals affected with LZTFL1-related conditions. This variant is not present in population databases (gnomAD no frequency). This sequence change replaces glutamic acid, which is acidic and polar, with lysine, which is basic and polar, at codon 104 of the LZTFL1 protein (p.Glu104Lys).

NM_020347.4(LZTFL1):c.310G>A (p.Glu104Lys)

Gene: LZTFL1 (leucine zipper transcription factor like 1; minus strand). Cytogenetic location: 3p21.31.
Variant type: single nucleotide variant.
Coding change: c.310G>A on transcript NM_020347.4 (MANE Select); coding-DNA position 310, G replaced by A.
Protein change: p.Glu104Lys; replaces glutamic acid 104 with lysine.
Molecular consequence: missense variant. On other transcripts: non-coding transcript variant (1).
Genome position (GRCh38, 1-based): chr3:45,835,603, C>T on the plus strand (G>A on the coding strand, the complement: LZTFL1 is on the minus strand). VCF-style: chr3-45835603-C-T. GRCh37 (hg19) VCF-style: chr3-45877095-C-T.
Other names: c.310G>A (NM_020347.2); c.259G>A, p.Glu87Lys (NM_001276378.2, NM_001386451.1); c.298G>A, p.Glu100Lys (NM_001276379.2); c.310G>A, p.Glu104Lys (NM_001386452.1); short protein forms E100K, E104K, E87K.
Identifiers: ClinVar variation 1051561 (VCV001051561.6), dbSNP rs1700944956, ClinGen allele CA352453393.